The following is an entry in ClinVar:

ClinVar aggregate classification (germline): Uncertain significance (1 of 4 stars; one submission).

Submission:

Women's Health and Genetics/Laboratory Corporation of America, LabCorp
Classification: Uncertain significance. Last evaluated: 2024-05-15. Review status: criteria provided, single submitter. Criteria: LabCorp Variant Classification Summary - May 2015. Collection method: clinical testing. Allele origin: germline.
Comment: Variant summary: NAGLU c.1876C>G (p.Arg626Gly) results in a non-conservative amino acid change located in the alpha-N-acetylglucosaminidase, C-terminal domian (IPR024732) of the encoded protein sequence. Four of five in-silico tools predict a damaging effect of the variant on protein function. The variant allele was found at a frequency of 4.4e-06 in 229530 control chromosomes (gnomAD). To our knowledge, no occurrence of c.1876C>G in individuals affected with Mucopolysaccharidosis Type IIIB (Sanfilippo Syndrome B) has been reported. At least one vitro functional study shows that the variant has reduced activity compared to wild-type (Clark_2018). The following publication has been ascertained in the context of this evaluation (PMID: 29979746). No submitters have cited clinical-significance assessments for this variant to ClinVar. Based on the evidence outlined above, the variant was classified as VUS-possibly pathogenic.

Literature cited by the submitters: PubMed 29979746.

NM_000263.4(NAGLU):c.1876C>G (p.Arg626Gly)

Gene: NAGLU (N-acetyl-alpha-glucosaminidase; plus strand). Cytogenetic location: 17q21.2.
Variant type: single nucleotide variant.
Coding change: c.1876C>G on transcript NM_000263.4 (MANE Select); coding-DNA position 1876, C replaced by G.
Protein change: p.Arg626Gly; replaces arginine 626 with glycine.
Molecular consequence: missense variant.
Genome position (GRCh38, 1-based): chr17:42,543,882, C>G. VCF-style: chr17-42543882-C-G. GRCh37 (hg19) VCF-style: chr17-40695900-C-G.
Other names: short protein forms R626G.
Identifiers: ClinVar variation 3336582 (VCV003336582.1).